The following is an entry in ClinVar:

ClinVar aggregate classification (germline): Conflicting classifications of pathogenicity. Review status: criteria provided, conflicting classifications (1 of 4 stars). 2 submissions from 2 submitters: Likely pathogenic (1); Uncertain significance (1). Last evaluated 2025-12-22.

Conditions:
T-B+ severe combined immunodeficiency due to JAK3 deficiency. Also called: SCID, autosomal recessive, T-negative/B-positive type; SCID, T CELL-NEGATIVE, B CELL-POSITIVE, NK CELL-NEGATIVE. Identifiers: Orphanet 35078, MedGen C1833275, MONDO:0010938, OMIM 600802.

Allele frequency attached by ClinVar (database versions not stated): gnomAD 0.00001; TOPMed 0.00001; ESP Exome Variant Server 0.00008; ExAC 0.00001.
gnomAD v4.1: 2 of 1,614,098 alleles (0.00012%); highest among the groups gnomAD compares: African/African-American, 0.0027%; no homozygotes.

Submissions (2):

Labcorp Genetics (formerly Invitae), Labcorp
Classification: Likely pathogenic for T-B+ severe combined immunodeficiency due to JAK3 deficiency. Last evaluated: 2025-12-22. Review status: criteria provided, single submitter. Criteria: Invitae Variant Classification Sherloc (09022015). Collection method: clinical testing. Allele origin: germline.
Comment: This sequence change replaces serine, which is neutral and polar, with arginine, which is basic and polar, at codon 890 of the JAK3 protein (p.Ser890Arg). This variant is present in population databases (rs144195765, gnomAD 0.007%). This missense change has been observed in individual(s) with severe combined immunodeficiency (internal data). In at least one individual the data is consistent with being in trans (on the opposite chromosome) from a pathogenic variant. ClinVar contains an entry for this variant (Variation ID: 2808244). Invitae Evidence Modeling of protein sequence and biophysical properties (such as structural, functional, and spatial information, amino acid conservation, physicochemical variation, residue mobility, and thermodynamic stability) has been performed for this missense variant. However, the output from this modeling did not meet the statistical confidence thresholds required to predict the impact of this variant on JAK3 protein function. Algorithms developed to predict the effect of sequence changes on RNA splicing suggest that this variant may disrupt the consensus splice site. In summary, the currently available evidence indicates that the variant is pathogenic, but additional data are needed to prove that conclusively. Therefore, this variant has been classified as Likely Pathogenic.

Women's Health and Genetics/Laboratory Corporation of America, LabCorp
Classification: Uncertain significance. Last evaluated: 2025-09-26. Review status: criteria provided, single submitter. Criteria: LabCorp Variant Classification Summary - May 2015. Collection method: clinical testing. Allele origin: germline.
Comment: Variant summary: JAK3 c.2670C>G (p.Ser890Arg) results in a non-conservative amino acid change in the encoded protein sequence. Algorithms developed to predict the effect of missense changes on protein structure and function are either unavailable or do not agree on the potential impact of this missense change. The variant allele was found at a frequency of 8e-06 in 251430 control chromosomes. The available data on variant occurrences in the general population are insufficient to allow any conclusion about variant significance. c.2670C>G has been observed in the compound heterozygous state in at least 1 individual affected with Severe Combined Immunodeficiency (Labcorp Genetics (formerly Invitae)). These data do not allow any conclusion about variant significance. To our knowledge, no experimental evidence demonstrating an impact on protein function has been reported. ClinVar contains an entry for this variant (Variation ID: 2808244). Based on the evidence outlined above, the variant was classified as uncertain significance.

NM_000215.4(JAK3):c.2670C>G (p.Ser890Arg)

Gene: JAK3 (Janus kinase 3; minus strand). Cytogenetic location: 19p13.11.
Variant type: single nucleotide variant.
Coding change: c.2670C>G on transcript NM_000215.4 (MANE Select); coding-DNA position 2670, C replaced by G.
Protein change: p.Ser890Arg; replaces serine 890 with arginine.
Molecular consequence: missense variant.
Genome position (GRCh38, 1-based): chr19:17,832,529, G>C on the plus strand (C>G on the coding strand, the complement: JAK3 is on the minus strand). VCF-style: chr19-17832529-G-C. GRCh37 (hg19) VCF-style: chr19-17943338-G-C.
Other names: short protein forms S890R.
Identifiers: ClinVar variation 2808244 (VCV002808244.5), dbSNP rs144195765, ClinGen allele CA9301559.